The following is an entry in ClinVar:

ClinVar aggregate classification (germline): Uncertain significance (1 of 4 stars; one submission).

Conditions:
Early-infantile DEE. Also called: Early infantile epileptic encephalopathy; Early infantile epileptic encephalopathy with suppression bursts; Ohtahara syndrome. Identifiers: Orphanet 1934, MedGen C0393706, MONDO:0800491.

Submission:

Labcorp Genetics (formerly Invitae), Labcorp
Classification: Uncertain significance for Early-infantile DEE. Last evaluated: 2023-03-02. Review status: criteria provided, single submitter. Criteria: Invitae Variant Classification Sherloc (09022015). Collection method: clinical testing. Allele origin: germline.
Comment: This sequence change replaces glutamic acid, which is acidic and polar, with glutamine, which is neutral and polar, at codon 429 of the ARHGEF15 protein (p.Glu429Gln). This variant is not present in population databases (gnomAD no frequency). This variant has not been reported in the literature in individuals affected with ARHGEF15-related conditions. An algorithm developed to predict the effect of missense changes on protein structure and function (PolyPhen-2) suggests that this variant is likely to be disruptive. In summary, the available evidence is currently insufficient to determine the role of this variant in disease. Therefore, it has been classified as a Variant of Uncertain Significance.

NM_173728.4(ARHGEF15):c.1285G>C (p.Glu429Gln)

Gene: ARHGEF15 (Rho guanine nucleotide exchange factor 15; plus strand). Cytogenetic location: 17p13.1.
Variant type: single nucleotide variant.
Coding change: c.1285G>C on transcript NM_173728.4 (MANE Select); coding-DNA position 1285, G replaced by C.
Protein change: p.Glu429Gln; replaces glutamic acid 429 with glutamine.
Molecular consequence: missense variant.
Genome position (GRCh38, 1-based): chr17:8,315,438, G>C. VCF-style: chr17-8315438-G-C. GRCh37 (hg19) VCF-style: chr17-8218756-G-C.
Other names: c.1285G>C, p.Glu429Gln (NM_025014.2); short protein forms E429Q.
Identifiers: ClinVar variation 2842308 (VCV002842308.3), dbSNP rs1255912279, ClinGen allele CA398020120.